The following is an entry in ClinVar:

NM_000038.6(APC):c.-19+3969G>T

Gene: APC (APC regulator of WNT signaling pathway; plus strand). Cytogenetic location: 5q22.2.
Variant type: single nucleotide variant.
Coding change: c.-19+3969G>T on transcript NM_000038.6 (MANE Select); 3969 bases into the intron after 19 bases upstream of the start codon, G replaced by T.
Molecular consequence: intron variant.
Genome position (GRCh38, 1-based): chr5:112,741,894, G>T. VCF-style: chr5-112741894-G-T. GRCh37 (hg19) VCF-style: chr5-112077591-G-T.
Other names: c.-18-12979G>T (NM_001354895.2); c.166-24432G>T (NM_001354897.2, NM_001354902.2, NM_001127511.3); c.-19+3434G>T (NM_001127510.3); c.60+3434G>T (NM_001354898.2, NM_001354904.2); c.-1054+3969G>T (NM_001354906.2); c.-19+3969G>T (NM_001354896.2, NM_001354903.2, NM_001354899.2); c.-43+3969G>T (NM_001354900.2, NM_001354901.2, NM_001354905.2).
Identifiers: ClinVar variation 82342 (VCV000082342.2), dbSNP rs78511549, ClinGen allele CA006468.

ClinVar aggregate classification (germline): other (0 of 4 stars; one submission).

Conditions:
Familial colorectal cancer. Identifiers: MedGen CN280943, MONDO:0023113. Disease mechanism: loss of function.

Submission:

Systems Biology Platform Zhejiang California International NanoSystems Institute
Classification: other for Familial colorectal cancer. Review status: no assertion criteria provided. Collection method: not provided. Allele origin: unknown.
ClinVar note: Converted during submission from cancer to other.